The following is an entry in ClinVar:

NM_000258.3(MYL3):c.536C>A (p.Ser179Tyr)

Gene: MYL3 (myosin light chain 3; minus strand). Cytogenetic location: 3p21.31.
Variant type: single nucleotide variant.
Coding change: c.536C>A on transcript NM_000258.3 (MANE Select); coding-DNA position 536, C replaced by A.
Protein change: p.Ser179Tyr; replaces serine 179 with tyrosine.
Molecular consequence: missense variant.
Genome position (GRCh38, 1-based): chr3:46,858,407, G>T on the plus strand (C>A on the coding strand, the complement: MYL3 is on the minus strand). VCF-style: chr3-46858407-G-T. GRCh37 (hg19) VCF-style: chr3-46899897-G-T.
Other names: short protein forms S179Y.
Identifiers: ClinVar variation 1036975 (VCV001036975.5), dbSNP rs1701955175, ClinGen allele CA352495356.

ClinVar aggregate classification (germline): Uncertain significance (1 of 4 stars; one submission).

Conditions:
Hypertrophic cardiomyopathy. Also called: HYPERTROPHIC MYOCARDIOPATHY. Identifiers: Orphanet 217569, MedGen C0007194, MeSH D002312, MONDO:0005045, HP:0001639.

Submission:

Labcorp Genetics (formerly Invitae), Labcorp
Classification: Uncertain significance for Hypertrophic cardiomyopathy. Last evaluated: 2020-09-07. Review status: criteria provided, single submitter. Criteria: Invitae Variant Classification Sherloc (09022015). Collection method: clinical testing. Allele origin: germline.
Comment: This variant has not been reported in the literature in individuals with MYL3-related conditions. This variant is not present in population databases (ExAC no frequency). This sequence change replaces serine with tyrosine at codon 179 of the MYL3 protein (p.Ser179Tyr). The serine residue is weakly conserved and there is a large physicochemical difference between serine and tyrosine. Algorithms developed to predict the effect of missense changes on protein structure and function are either unavailable or do not agree on the potential impact of this missense change (SIFT: "Deleterious"; PolyPhen-2: "Possibly Damaging"; Align-GVGD: "Class C0"). In summary, the available evidence is currently insufficient to determine the role of this variant in disease. Therefore, it has been classified as a Variant of Uncertain Significance.